The following is an entry in ClinVar:

ClinVar aggregate classification (germline): Benign (0 of 4 stars; one submission).

Conditions:
FOXF2-related disorder. Also called: FOXF2-related condition.

Allele frequency attached by ClinVar (database versions not stated): gnomAD exomes 0.00056; ExAC 0.00185; gnomAD 0.00618; ESP Exome Variant Server 0.00677; TOPMed 0.00680; 1000 Genomes Project 30x 0.00734; 1000 Genomes Project 0.00739.
gnomAD v4.1: 1,813 of 1,614,186 alleles (0.11%); highest among the groups gnomAD compares: African/African-American, 2.1%; 19 homozygotes.

Submission:

PreventionGenetics, part of Exact Sciences
Classification: Benign for FOXF2-related condition. Last evaluated: 2019-03-20. Review status: no assertion criteria provided. Collection method: clinical testing. Allele origin: germline.
Comment: This variant is classified as benign based on ACMG/AMP sequence variant interpretation guidelines (Richards et al. 2015 PMID: 25741868, with internal and published modifications).

NM_001452.2(FOXF2):c.1323C>A (p.Pro441=)

Gene: FOXF2 (forkhead box F2; plus strand). Cytogenetic location: 6p25.3.
Variant type: single nucleotide variant.
Coding change: c.1323C>A on transcript NM_001452.2 (MANE Select); coding-DNA position 1323, C replaced by A.
Protein change: p.Pro441=; no amino-acid change (proline 441 retained).
Molecular consequence: synonymous variant.
Genome position (GRCh38, 1-based): chr6:1,394,847, C>A. VCF-style: chr6-1394847-C-A. GRCh37 (hg19) VCF-style: chr6-1395082-C-A.
Identifiers: ClinVar variation 3039669 (VCV003039669.2), dbSNP rs141819988, ClinGen allele CA3614669.
Genomic context (GRCh38, chr6:1,394,847, plus strand): 5'-CTCAGCTAGCGGGTCGTATTATCACCATCACCACCAGAGCGTCTGTCAGGATATTAAGCC[C>A]TGCGTCATGTGAACGGAAAGAGGCCAAGCGATGGCCGCTCTCTCCTCTCCCCTCCTCAGA-3'
Protein context (NP_001443.1, residues 431-444): HHQSVCQDIK[Pro441=]CVM